The following is an entry in ClinVar:

ClinVar aggregate classification (germline): Likely benign (1 of 4 stars; one submission).

Conditions:
TMEM67-related disorder. Also called: TMEM67-related condition; TMEM67-related disorders. Identifiers: MedGen CN239423.

Submission:

PreventionGenetics, part of Exact Sciences
Classification: Likely benign for TMEM67-related condition. Last evaluated: 2025-05-27. Review status: criteria provided, single submitter. Criteria: ACMG Guidelines, 2015. Collection method: clinical testing. Allele origin: germline.
Comment: This variant is classified as likely benign based on ACMG/AMP sequence variant interpretation guidelines (Richards et al. 2015 PMID: 25741868, with internal and published modifications).

NM_153704.6(TMEM67):c.1884C>T (p.Leu628=)

Gene: TMEM67 (transmembrane protein 67; plus strand). Cytogenetic location: 8q22.1.
Variant type: single nucleotide variant.
Coding change: c.1884C>T on transcript NM_153704.6 (MANE Select); coding-DNA position 1884, C replaced by T.
Protein change: p.Leu628=; no amino-acid change (leucine 628 retained).
Molecular consequence: synonymous variant. On other transcripts: non-coding transcript variant (1).
Genome position (GRCh38, 1-based): chr8:93,797,157, C>T. VCF-style: chr8-93797157-C-T. GRCh37 (hg19) VCF-style: chr8-94809385-C-T.
Other names: c.1641C>T, p.Leu547= (NM_001142301.1).
Identifiers: ClinVar variation 4999618 (VCV004999618.1).
Genomic context (GRCh38, chr8:93,797,157, plus strand): 5'-GTACTTTTTCAGGTGTTTTATTATATGTCATTCTCAGGCACTACAATTTTTGCATAAGCT[C>T]ATATCCCAGATTACAATAGATGTATTCTTTATTGATTGGGAGCGACCTAAAGGAAAGGTT-3'
Protein context (NP_714915.3, residues 618-638): ALKALQFLHK[Leu628=]ISQITIDVFF